The following is an entry in ClinVar:

NM_001378615.1(CC2D2A):c.4729G>A (p.Ala1577Thr)

Genes: CC2D2A (coiled-coil and C2 domain containing 2A; plus strand), FBXL5 (F-box and leucine rich repeat protein 5; minus strand). Cytogenetic location: 4p15.32.
Variant type: single nucleotide variant.
Coding change: c.4729G>A on transcript NM_001378615.1 (MANE Select); coding-DNA position 4729, G replaced by A.
Protein change: p.Ala1577Thr; replaces alanine 1577 with threonine.
Molecular consequence: missense variant.
Genome position (GRCh38, 1-based): chr4:15,601,291, G>A. VCF-style: chr4-15601291-G-A. GRCh37 (hg19) VCF-style: chr4-15602914-G-A.
Other names: p.Ala1577Thr; c.4729G>A, p.Ala1577Thr (NM_001080522.2); c.4582G>A, p.Ala1528Thr (NM_001378617.1); short protein forms A1577T, A1528T.
Identifiers: ClinVar variation 421347 (VCV000421347.24), dbSNP rs199695154, ClinGen allele CA2864468.

ClinVar aggregate classification (germline): Conflicting classifications of pathogenicity. Review status: criteria provided, conflicting classifications (1 of 4 stars). 8 submissions from 8 submitters: Uncertain significance (7); Likely benign (1). Last evaluated 2026-04-28.

Conditions:
Meckel syndrome, type 6. Identifiers: Orphanet 564, MedGen C2676790, MONDO:0012848, OMIM 612284.
Joubert syndrome 9 (JBTS9). Identifiers: Orphanet 2318, MedGen C2676788, MONDO:0012849, OMIM 612285.
COACH syndrome 2. Identifiers: MedGen C5436837, MONDO:0030859, OMIM 619111.
Retinitis pigmentosa 93. Identifiers: MedGen C5676970, MONDO:0030797, OMIM 619845.
CC2D2A-related disorder. Also called: CC2D2A-related condition; CC2D2A-related disorders. Identifiers: MedGen CN239313.
Meckel-Gruber syndrome. Also called: Dysencephalia splachnocystica; DYSENCEPHALIA SPLANCHNOCYSTICA; GRUBER SYNDROME. Identifiers: Orphanet 564, MedGen C0265215, MONDO:0018921.
Joubert syndrome. Also called: Familial aplasia of the vermis; JOUBERT-BOLTSHAUSER SYNDROME. Identifiers: Orphanet 475, MedGen C5979921, MONDO:0018772.
Inborn genetic diseases. Identifiers: MedGen C0950123, MeSH D030342.

Allele frequency attached by ClinVar (database versions not stated): gnomAD exomes 0.00004 and 0.00009; ExAC 0.00012; 1000 Genomes Project 0.00020; 1000 Genomes Project 30x 0.00031; ESP Exome Variant Server 0.00034; gnomAD 0.00036 and 0.00039; TOPMed 0.00040.
gnomAD v4.1: 113 of 1,612,686 alleles (0.007%); highest among the groups gnomAD compares: African/African-American, 0.13%; no homozygotes.

Submissions (8):

PreventionGenetics, part of Exact Sciences
Classification: Uncertain significance for CC2D2A-related condition. Last evaluated: 2026-04-28. Review status: criteria provided, single submitter. Criteria: ACMG Guidelines, 2015. Collection method: clinical testing. Allele origin: germline.
Comment: The CC2D2A c.4729G>A variant is predicted to result in the amino acid substitution p.Ala1577Thr. To our knowledge, this variant has not been reported in the literature. This variant is reported in 0.14% of alleles in individuals of African descent in gnomAD. Although we suspect that this variant may be benign, at this time, the clinical significance of this variant is uncertain due to the absence of conclusive functional and genetic evidence.

Labcorp Genetics (formerly Invitae), Labcorp
Classification: Likely benign for Joubert syndrome; Meckel-Gruber syndrome. Last evaluated: 2026-01-24. Review status: criteria provided, single submitter. Criteria: Invitae Variant Classification Sherloc (09022015). Collection method: clinical testing. Allele origin: germline.

Mayo Clinic Laboratories, Mayo Clinic
Classification: Uncertain significance. Last evaluated: 2025-11-25. Review status: criteria provided, single submitter. Criteria: ACMG Guidelines, 2015. Collection method: clinical testing. Allele origin: germline. Observed: 2 variant alleles.

GeneDx
Classification: Uncertain significance. Last evaluated: 2025-02-28. Review status: criteria provided, single submitter. Criteria: GeneDx Variant Classification Process June 2021. Collection method: clinical testing. Allele origin: germline. Affected: yes.
Comment: In silico analysis supports that this missense variant has a deleterious effect on protein structure/function; Has not been previously published in a patient with a CC2D2A-related ciliopathy to our knowledge; This variant is associated with the following publications: (PMID: 28719003, 26740555)

Blueprint Genetics
Classification: Uncertain significance. Last evaluated: 2024-07-09. Review status: criteria provided, single submitter. Criteria: ACMG Guidelines, 2015. Collection method: clinical testing. Allele origin: germline.

Ambry Genetics
Classification: Uncertain significance for Inborn genetic diseases. Last evaluated: 2022-08-01. Review status: criteria provided, single submitter. Criteria: Ambry Variant Classification Scheme 2023. Collection method: clinical testing. Allele origin: germline.

Revvity Omics, Revvity
Classification: Uncertain significance. Last evaluated: 2022-08-01. Review status: criteria provided, single submitter. Criteria: ACMG Guidelines, 2015. Collection method: clinical testing. Allele origin: germline.

Fulgent Genetics
Classification: Uncertain significance for Meckel syndrome, type 6; Joubert syndrome 9; COACH syndrome 2; Retinitis pigmentosa 93. Last evaluated: 2022-05-12. Review status: criteria provided, single submitter. Criteria: ACMG Guidelines, 2015. Collection method: clinical testing. Allele origin: unknown.